The following is an entry in ClinVar:

ClinVar aggregate classification (germline): Conflicting classifications of pathogenicity. Review status: criteria provided, conflicting classifications (1 of 4 stars). 2 submissions from 2 submitters: Uncertain significance (1); Likely benign (1). Last evaluated 2024-09-27.

Conditions:
Landau-Kleffner syndrome (FESD). Also called: EPILEPSY, FOCAL, WITH SPEECH DISORDER AND WITH OR WITHOUT MENTAL RETARDATION; APHASIA, ACQUIRED, WITH EPILEPSY. Identifiers: Orphanet 1945, Orphanet 725, Orphanet 98818, MedGen C0282512, MONDO:0009509, OMIM 245570.

Allele frequency attached by ClinVar (database versions not stated): gnomAD exomes 0.00001.
gnomAD v4.1: 8 of 1,614,118 alleles (0.0005%); highest among the groups gnomAD compares: Non-Finnish European, 0.00068%; no homozygotes.

Submissions (2):

Labcorp Genetics (formerly Invitae), Labcorp
Classification: Likely benign for Landau-Kleffner syndrome. Last evaluated: 2024-09-27. Review status: criteria provided, single submitter. Criteria: Invitae Variant Classification Sherloc (09022015). Collection method: clinical testing. Allele origin: germline.

GeneDx
Classification: Uncertain significance. Last evaluated: 2023-12-16. Review status: criteria provided, single submitter. Criteria: GeneDx Variant Classification Process June 2021. Collection method: clinical testing. Allele origin: germline. Affected: yes.
Comment: Not observed at significant frequency in large population cohorts (gnomAD); In silico analysis supports that this missense variant does not alter protein structure/function; Has not been previously published as pathogenic or benign to our knowledge

NM_001134407.3(GRIN2A):c.3172C>T (p.His1058Tyr)

Gene: GRIN2A (glutamate ionotropic receptor NMDA type subunit 2A; minus strand). Cytogenetic location: 16p13.2.
Variant type: single nucleotide variant.
Coding change: c.3172C>T on transcript NM_001134407.3 (MANE Select); coding-DNA position 3172, C replaced by T.
Protein change: p.His1058Tyr; replaces histidine 1058 with tyrosine.
Molecular consequence: missense variant.
Genome position (GRCh38, 1-based): chr16:9,764,372, G>A on the plus strand (C>T on the coding strand, the complement: GRIN2A is on the minus strand). VCF-style: chr16-9764372-G-A. GRCh37 (hg19) VCF-style: chr16-9858229-G-A.
Other names: c.3172C>T, p.His1058Tyr (NM_000833.5, NM_001134408.2); c.3172C>T (NM_000833.3); short protein forms H1058Y.
Identifiers: ClinVar variation 3019440 (VCV003019440.4), dbSNP rs988036800, ClinGen allele CA277537686.